The following is an entry in ClinVar:

NM_003743.5(NCOA1):c.2259A>G (p.Leu753=)

Gene: NCOA1 (nuclear receptor coactivator 1; plus strand). Cytogenetic location: 2p23.3.
Variant type: single nucleotide variant.
Coding change: c.2259A>G on transcript NM_003743.5 (MANE Select); coding-DNA position 2259, A replaced by G.
Protein change: p.Leu753=; no amino-acid change (leucine 753 retained).
Molecular consequence: synonymous variant.
Genome position (GRCh38, 1-based): chr2:24,707,729, A>G. VCF-style: chr2-24707729-A-G. GRCh37 (hg19) VCF-style: chr2-24930598-A-G.
Other names: c.2259A>G, p.Leu753= (NM_001362950.1, NM_001362952.1, NM_001362954.1 and 3 more transcripts).
Identifiers: ClinVar variation 3058259 (VCV003058259.2), dbSNP rs543551265, ClinGen allele CA1552370.

ClinVar aggregate classification (germline): Likely benign (0 of 4 stars; one submission).

Conditions:
NCOA1-related disorder. Also called: NCOA1-related condition.

Allele frequency attached by ClinVar (database versions not stated): ExAC 0.00013; TOPMed 0.00022; gnomAD 0.00029; gnomAD exomes 0.00035.
gnomAD v4.1: 552 of 1,613,926 alleles (0.034%); highest among the groups gnomAD compares: Non-Finnish European, 0.045%; no homozygotes.

Submission:

PreventionGenetics, part of Exact Sciences
Classification: Likely benign for NCOA1-related condition. Last evaluated: 2020-07-13. Review status: no assertion criteria provided. Collection method: clinical testing. Allele origin: germline.
Comment: This variant is classified as likely benign based on ACMG/AMP sequence variant interpretation guidelines (Richards et al. 2015 PMID: 25741868, with internal and published modifications).